The following is an entry in ClinVar:

NM_004444.5(EPHB4):c.574C>A (p.Leu192Ile)

Gene: EPHB4 (EPH receptor B4; minus strand). Cytogenetic location: 7q22.1.
Variant type: single nucleotide variant.
Coding change: c.574C>A on transcript NM_004444.5 (MANE Select); coding-DNA position 574, C replaced by A.
Protein change: p.Leu192Ile; replaces leucine 192 with isoleucine.
Molecular consequence: missense variant.
Genome position (GRCh38, 1-based): chr7:100,822,505, G>T on the plus strand (C>A on the coding strand, the complement: EPHB4 is on the minus strand). VCF-style: chr7-100822505-G-T. GRCh37 (hg19) VCF-style: chr7-100420127-G-T.
Other names: short protein forms L192I.
Identifiers: ClinVar variation 1749425 (VCV001749425.2), dbSNP rs1183479782, ClinGen allele CA368581290.

ClinVar aggregate classification (germline): Uncertain significance (1 of 4 stars; one submission).

Conditions:
Cardiovascular phenotype. Identifiers: MedGen CN230736.

Submission:

Ambry Genetics
Classification: Uncertain significance for Cardiovascular phenotype. Last evaluated: 2021-08-05. Review status: criteria provided, single submitter. Criteria: Ambry Variant Classification Scheme 2023. Collection method: clinical testing. Allele origin: germline.
Comment: The p.L192I variant (also known as c.574C>A), located in coding exon 4 of the EPHB4 gene, results from a C to A substitution at nucleotide position 574. The leucine at codon 192 is replaced by isoleucine, an amino acid with highly similar properties. This amino acid position is conserved. In addition, this alteration is predicted to be tolerated by in silico analysis. Since supporting evidence is limited at this time, the clinical significance of this alteration remains unclear.